The following is an entry in ClinVar:

ClinVar aggregate classification (germline): Conflicting classifications of pathogenicity. Review status: criteria provided, conflicting classifications (1 of 4 stars). 2 submissions from 2 submitters: Uncertain significance (1); Benign (1). Last evaluated 2022-01-01.

Conditions:
Ovarian cancer. Also called: OVARIAN CANCER, SOMATIC. Identifiers: Orphanet 213500, MedGen C1140680, MONDO:0008170, OMIM 167000.
Gastrointestinal stromal tumor. Also called: Gastrointestinal stromal tumor, somatic; Gastrointestinal stroma tumor. Identifiers: Orphanet 44890, MedGen C0238198, MeSH D046152, MONDO:0011719, OMIM 606764, HP:0100723.

Allele frequency attached by ClinVar (database versions not stated): TOPMed 0.00001.

Submissions (2):

Laboratory of Molecular Epidemiology of Birth Defects, West China Second University Hospital, Sichuan University
Classification: Benign for Ovarian cancer. Last evaluated: 2022-01-01. Review status: criteria provided, single submitter. Criteria: ACMG Guidelines, 2015. Collection method: clinical testing. Allele origin: germline. Affected: yes.

Labcorp Genetics (formerly Invitae), Labcorp
Classification: Uncertain significance for Gastrointestinal stromal tumor. Last evaluated: 2021-08-31. Review status: criteria provided, single submitter. Criteria: Invitae Variant Classification Sherloc (09022015). Collection method: clinical testing. Allele origin: germline.
Comment: This sequence change replaces glycine with alanine at codon 12 of the PDGFRA protein (p.Gly12Ala). The glycine residue is highly conserved and there is a small physicochemical difference between glycine and alanine. This variant is not present in population databases (ExAC no frequency). This variant has not been reported in the literature in individuals affected with PDGFRA-related conditions. Algorithms developed to predict the effect of missense changes on protein structure and function (SIFT, PolyPhen-2, Align-GVGD) all suggest that this variant is likely to be tolerated. In summary, the available evidence is currently insufficient to determine the role of this variant in disease. Therefore, it has been classified as a Variant of Uncertain Significance.

NM_006206.6(PDGFRA):c.35G>C (p.Gly12Ala)

Gene: PDGFRA (platelet derived growth factor receptor alpha; plus strand). Cytogenetic location: 4q12.
Variant type: single nucleotide variant.
Coding change: c.35G>C on transcript NM_006206.6 (MANE Select); coding-DNA position 35, G replaced by C.
Protein change: p.Gly12Ala; replaces glycine 12 with alanine.
Molecular consequence: missense variant.
Genome position (GRCh38, 1-based): chr4:54,258,803, G>C. VCF-style: chr4-54258803-G-C. GRCh37 (hg19) VCF-style: chr4-55124970-G-C.
Other names: c.35G>C (NM_006206.5); c.35G>C, p.Gly12Ala (NM_001347827.2, NM_001347829.2); c.110G>C, p.Gly37Ala (NM_001347828.2); c.74G>C, p.Gly25Ala (NM_001347830.2); short protein forms G12A, G25A, G37A.
Identifiers: ClinVar variation 1036092 (VCV001036092.3), dbSNP rs1440200916, ClinGen allele CA356888101.